The following is an entry in ClinVar:

ClinVar aggregate classification (germline): Conflicting classifications of pathogenicity. Review status: criteria provided, conflicting classifications (1 of 4 stars). 4 submissions from 4 submitters: Uncertain significance (3); Likely benign (1). Last evaluated 2025-09-10.

Conditions:
Familial hypobetalipoproteinemia 1. Also called: Hypobetalipoproteinemia, normotriglyceridemic; Acanthocytosis with hypobetalipoproteinemia; APOB-Related Familial Hypobetalipoproteinemia. Identifiers: MedGen C4551990, MONDO:0014252, OMIM 615558.
Hypercholesterolemia, autosomal dominant, type B (FHCL2). Also called: APOLIPOPROTEIN B-100, FAMILIAL DEFECTIVE; APOLIPOPROTEIN B-100, FAMILIAL LIGAND-DEFECTIVE; HYPERCHOLESTEROLEMIA, FAMILIAL, DUE TO LIGAND-DEFECTIVE APOLIPOPROTEIN B; Hyperlipoproteinemia Type IIb; Familial hypercholesterolemia 2; APOB-Related Familial Hypercholesterolemia, Autosomal Dominant. Identifiers: MedGen C1704417, MONDO:0007751, OMIM 144010.
Cardiovascular phenotype. Identifiers: MedGen CN230736.

Allele frequency attached by ClinVar (database versions not stated): ExAC 0.00001; gnomAD exomes 0.00001 and 0.00007; TOPMed 0.00002; gnomAD 0.00003.
gnomAD v4.1: 100 of 1,613,900 alleles (0.0062%); highest among the groups gnomAD compares: Non-Finnish European, 0.0084%; no homozygotes.

Submissions (4):

Labcorp Genetics (formerly Invitae), Labcorp
Classification: Likely benign for Familial hypobetalipoproteinemia 1; Hypercholesterolemia, autosomal dominant, type B. Last evaluated: 2025-09-10. Review status: criteria provided, single submitter. Criteria: Invitae Variant Classification Sherloc (09022015). Collection method: clinical testing. Allele origin: germline.

Ambry Genetics
Classification: Uncertain significance for Cardiovascular phenotype. Last evaluated: 2024-03-21. Review status: criteria provided, single submitter. Criteria: Ambry Variant Classification Scheme 2023. Collection method: clinical testing. Allele origin: germline.
Comment: The p.I1652L variant (also known as c.4954A>C), located in coding exon 26 of the APOB gene, results from an A to C substitution at nucleotide position 4954. The isoleucine at codon 1652 is replaced by leucine, an amino acid with highly similar properties. This amino acid position is conserved. In addition, this alteration is predicted to be tolerated by in silico analysis. Since supporting evidence is limited at this time, the clinical significance of this alteration remains unclear.

Mayo Clinic Laboratories, Mayo Clinic
Classification: Uncertain significance. Last evaluated: 2024-01-25. Review status: criteria provided, single submitter. Criteria: ACMG Guidelines, 2015. Collection method: clinical testing. Allele origin: germline. Observed: 1 variant allele.
Comment: BP4

New York Genome Center
Classification: Uncertain significance for Hypercholesterolemia, autosomal dominant, type B; Familial hypobetalipoproteinemia 1. Last evaluated: 2022-12-19. Review status: criteria provided, single submitter. Criteria: NYGC Assertion Criteria 2020. Collection method: clinical testing. Allele origin: germline. Observed: 1 heterozygote.
Comment: The c.4954A>C p.(Ile1652Leu) missense variant identified in the APOB gene has previously been deposited in ClinVar as a variant of uncertain significance (2) and likely benign (1) [Variation ID: 857100] and to our current knowledge has not been reported in an affected individual in the literature. The c.4954A>C variant is observed in 10 alleles (~0. 0.002% minor allele frequency with 0 homozygotes) in population databases (gnomAD v2.1.1 and v3.1.2, TOPMedFreeze 8), suggesting it is not a common benign variant in the populations represented in those databases. The c.4954A>C variant is located in exon 26 of this 29-exon gene, and predicted to replace a weakly conserved isoleucine amino acid with leucine at position 1652 of the encoded protein. In silico algorithms do not predict a damaging effect to the function of the canonical protein (REVEL=0.038); however, there are no functional studies to support or refute these predictions. Based on available evidence the c.4954A>C p.(Ile1652Leu) variant identified in APOB is classified as a Variant of UncertainSignificance.

NM_000384.3(APOB):c.4954A>C (p.Ile1652Leu)

Gene: APOB (apolipoprotein B; minus strand). Cytogenetic location: 2p24.1.
Variant type: single nucleotide variant.
Coding change: c.4954A>C on transcript NM_000384.3 (MANE Select); coding-DNA position 4954, A replaced by C.
Protein change: p.Ile1652Leu; replaces isoleucine 1652 with leucine.
Molecular consequence: missense variant.
Genome position (GRCh38, 1-based): chr2:21,011,914, T>G on the plus strand (A>C on the coding strand, the complement: APOB is on the minus strand). VCF-style: chr2-21011914-T-G. GRCh37 (hg19) VCF-style: chr2-21234786-T-G.
Other names: p.Ile1652Leu; short protein forms I1652L.
Identifiers: ClinVar variation 857100 (VCV000857100.19), dbSNP rs776008744, ClinGen allele CA061411.